The following is an entry in ClinVar:

ClinVar aggregate classification (germline): Uncertain significance (1 of 4 stars; one submission).

Conditions:
Inborn genetic diseases. Identifiers: MedGen C0950123, MeSH D030342.

gnomAD v4.1: 3 of 1,613,878 alleles (0.00019%); highest among the groups gnomAD compares: African/African-American, 0.0013%; no homozygotes.

Submission:

Ambry Genetics
Classification: Uncertain significance for Inborn genetic diseases. Last evaluated: 2025-07-09. Review status: criteria provided, single submitter. Criteria: Ambry Variant Classification Scheme 2023. Collection method: clinical testing. Allele origin: germline.
Comment: The c.2900C>G (p.A967G) alteration is located in exon 21 (coding exon 21) of the GEMIN5 gene. This alteration results from a C to G substitution at nucleotide position 2900, causing the alanine (A) at amino acid position 967 to be replaced by a glycine (G). This variant was not reported in population-based cohorts in the Genome Aggregation Database (gnomAD). This amino acid position is highly conserved in available vertebrate species. The in silico prediction for this alteration is inconclusive. Based on insufficient or conflicting evidence, the clinical significance of this alteration remains unclear.

NM_015465.5(GEMIN5):c.2900C>G (p.Ala967Gly)

Gene: GEMIN5 (gem nuclear organelle associated protein 5; minus strand). Cytogenetic location: 5q33.2.
Variant type: single nucleotide variant.
Coding change: c.2900C>G on transcript NM_015465.5 (MANE Select); coding-DNA position 2900, C replaced by G.
Protein change: p.Ala967Gly; replaces alanine 967 with glycine.
Molecular consequence: missense variant.
Genome position (GRCh38, 1-based): chr5:154,901,453, G>C on the plus strand (C>G on the coding strand, the complement: GEMIN5 is on the minus strand). VCF-style: chr5-154901453-G-C. GRCh37 (hg19) VCF-style: chr5-154281013-G-C.
Other names: c.2897C>G, p.Ala966Gly (NM_001252156.2); short protein forms A967G, A966G.
Identifiers: ClinVar variation 2393079 (VCV002393079.3), dbSNP rs751473417, ClinGen allele CA361954037.